The following is an entry in ClinVar:

ClinVar aggregate classification (germline): Likely benign. Review status: criteria provided, multiple submitters, no conflicts (2 of 4 stars). 4 submissions from 4 submitters: Likely benign (3). 1 of the submissions does not count toward it. Last evaluated 2026-01-26.

Conditions:
AKAP9-related disorder. Also called: AKAP9-related condition.
Long QT syndrome (LQTS). Identifiers: MedGen C0023976, MeSH D008133, MONDO:0002442. Disease mechanism: loss of function. Inheritance: Various modes of inheritance.
Cardiovascular phenotype. Identifiers: MedGen CN230736.

Allele frequency attached by ClinVar (database versions not stated): gnomAD exomes 0.00006 and 0.00019; ExAC 0.00023; 1000 Genomes Project 0.00040; 1000 Genomes Project 30x 0.00047; gnomAD 0.00073 and 0.00080; ESP Exome Variant Server 0.00092; TOPMed 0.00096.
gnomAD v4.1: 208 of 1,614,112 alleles (0.013%); highest among the groups gnomAD compares: African/African-American, 0.23%; no homozygotes.

Submissions (4):

Labcorp Genetics (formerly Invitae), Labcorp
Classification: Likely benign for Long QT syndrome. Last evaluated: 2026-01-26. Review status: criteria provided, single submitter. Criteria: Invitae Variant Classification Sherloc (09022015). Collection method: clinical testing. Allele origin: germline.

Women's Health and Genetics/Laboratory Corporation of America, LabCorp
Classification: Likely benign. Last evaluated: 2020-12-21. Review status: criteria provided, single submitter. Criteria: LabCorp Variant Classification Summary - May 2015. Collection method: clinical testing. Allele origin: germline.
Comment: Variant summary: AKAP9 c.9127G>A (p.Ala3043Thr) results in a non-conservative amino acid change in the encoded protein sequence. Three of five in-silico tools predict a damaging effect of the variant on protein function. The variant allele was found at a frequency of 0.00019 in 251372 control chromosomes, predominantly at a frequency of 0.0025 within the African or African-American subpopulation in the gnomAD database. The observed variant frequency within African or African-American control individuals in the gnomAD database is approximately 750 fold of the estimated maximal expected allele frequency for a pathogenic variant in AKAP9 causing Long QT Syndrome phenotype (3.3e-06), strongly suggesting that the variant is a benign polymorphism found primarily in populations of African or African-American origin. To our knowledge, no occurrence of c.9127G>A in individuals affected with Long QT Syndrome and no experimental evidence demonstrating its impact on protein function have been reported. Two clinical diagnostic laboratories have submitted clinical-significance assessments for this variant to ClinVar after 2014 without evidence for independent evaluation. Both laboratories classified the variant as likely benign. Based on the evidence outlined above, the variant was classified as likely benign.

Ambry Genetics
Classification: Likely benign for Cardiovascular phenotype. Last evaluated: 2018-04-18. Review status: criteria provided, single submitter. Criteria: Ambry Variant Classification Scheme 2023. Collection method: clinical testing. Allele origin: germline.

PreventionGenetics, part of Exact Sciences
Classification: Likely benign for AKAP9-related condition. Last evaluated: 2019-06-28. Review status: no assertion criteria provided. Collection method: clinical testing. Allele origin: germline. Not counted in ClinVar's aggregate classification.
Comment: This variant is classified as likely benign based on ACMG/AMP sequence variant interpretation guidelines (Richards et al. 2015 PMID: 25741868, with internal and published modifications).

NM_005751.5(AKAP9):c.9127G>A (p.Ala3043Thr)

Gene: AKAP9 (A-kinase anchoring protein 9; plus strand). Cytogenetic location: 7q21.2.
Variant type: single nucleotide variant.
Coding change: c.9127G>A on transcript NM_005751.5 (MANE Select); coding-DNA position 9127, G replaced by A.
Protein change: p.Ala3043Thr; replaces alanine 3043 with threonine.
Molecular consequence: missense variant.
Genome position (GRCh38, 1-based): chr7:92,086,330, G>A. VCF-style: chr7-92086330-G-A. GRCh37 (hg19) VCF-style: chr7-91715644-G-A.
Other names: c.3772G>A, p.Ala1258Thr (NM_001379277.1); c.9103G>A, p.Ala3035Thr (NM_147185.3); short protein forms A3043T, A3035T, A1258T.
Identifiers: ClinVar variation 417032 (VCV000417032.18), dbSNP rs138390702, ClinGen allele CA4337663.